The following is an entry in ClinVar:

ClinVar aggregate classification (germline): Uncertain significance. Review status: criteria provided, multiple submitters, no conflicts (2 of 4 stars). 2 submissions from 2 submitters: Uncertain significance (2). Last evaluated 2025-12-29.

Conditions:
Autoinflammatory syndrome, familial, X-linked, Behcet-like 2. Also called: DEFICIENCY IN ELF4, X-LINKED. Identifiers: Orphanet 676125, MedGen C5575495, MONDO:0024770, OMIM 301074.

Submissions (2):

Laboratorio de Genetica e Diagnostico Molecular, Hospital Israelita Albert Einstein
Classification: Uncertain significance for Autoinflammatory syndrome, familial, X-linked, Behcet-like 2. Last evaluated: 2025-12-29. Review status: criteria provided, single submitter. Criteria: ACMG Guidelines, 2015. Collection method: clinical testing. Allele origin: germline. Affected: yes.
Comment: ACMG classification criteria: PM2 supporting, PP3 supporting

Dasa
Classification: Uncertain significance for Autoinflammatory syndrome, familial, X-linked, Behcet-like 2. Last evaluated: 2025-12-07. Review status: criteria provided, single submitter. Criteria: DASA Assertion Criteria. Collection method: clinical testing. Allele origin: germline.
Comment: NM_001421.4(ELF4):c.617G>A (p.Gly206Asp) is a missense variant that results in the substitution of glycine with aspartic acid. This variant is rare in population databases. Computational prediction algorithms are consistent with a deleterious effect. The currently available literature and clinical evidence are not sufficient to establish a definitive association between this variant and the reported condition. Therefore, this variant is classified as a variant of uncertain significance.

NM_001421.4(ELF4):c.617G>A (p.Gly206Asp)

Gene: ELF4 (E74 like ETS transcription factor 4; minus strand). Cytogenetic location: Xq26.1.
Variant type: single nucleotide variant.
Coding change: c.617G>A on transcript NM_001421.4 (MANE Select); coding-DNA position 617, G replaced by A.
Protein change: p.Gly206Asp; replaces glycine 206 with aspartic acid.
Molecular consequence: missense variant.
Genome position (GRCh38, 1-based): chrX:130,071,232, C>T on the plus strand (G>A on the coding strand, the complement: ELF4 is on the minus strand). VCF-style: chrX-130071232-C-T. GRCh37 (hg19) VCF-style: chrX-129205207-C-T.
Other names: c.617G>A, p.Gly206Asp (NM_001127197.2, NM_001440765.1, NM_001440766.1); short protein forms G206D.
Identifiers: ClinVar variation 4846786 (VCV004846786.3).